The following is an entry in ClinVar:

ClinVar aggregate classification (germline): Uncertain significance (1 of 4 stars; one submission).

Submission:

Labcorp Genetics (formerly Invitae), Labcorp
Classification: Uncertain significance. Last evaluated: 2022-07-25. Review status: criteria provided, single submitter. Criteria: Invitae Variant Classification Sherloc (09022015). Collection method: clinical testing. Allele origin: germline.
Comment: In summary, the available evidence is currently insufficient to determine the role of this variant in disease. Therefore, it has been classified as a Variant of Uncertain Significance. This sequence change replaces glycine, which is neutral and non-polar, with alanine, which is neutral and non-polar, at codon 1001 of the LTBP4 protein (p.Gly1001Ala). This variant is not present in population databases (gnomAD no frequency). This variant has not been reported in the literature in individuals affected with LTBP4-related conditions. Experimental studies and prediction algorithms are not available or were not evaluated, and the functional significance of this variant is currently unknown.

NM_001042545.2(LTBP4):c.2912G>C (p.Gly971Ala)

Gene: LTBP4 (latent transforming growth factor beta binding protein 4; plus strand). Cytogenetic location: 19q13.2.
Variant type: single nucleotide variant.
Coding change: c.2912G>C on transcript NM_001042545.2 (MANE Select); coding-DNA position 2912, G replaced by C.
Protein change: p.Gly971Ala; replaces glycine 971 with alanine.
Molecular consequence: missense variant.
Genome position (GRCh38, 1-based): chr19:40,616,988, G>C. VCF-style: chr19-40616988-G-C. GRCh37 (hg19) VCF-style: chr19-41122894-G-C.
Other names: c.3113G>C, p.Gly1038Ala (NM_001042544.1); c.3002G>C, p.Gly1001Ala (NM_003573.2); short protein forms G1038A, G1001A, G971A.
Identifiers: ClinVar variation 2017955 (VCV002017955.4), dbSNP rs2515373417, ClinGen allele CA405940309.